The following is an entry in ClinVar:

ClinVar aggregate classification (germline): Uncertain significance (1 of 4 stars; one submission).

Conditions:
Papillon-Lefèvre syndrome (PALS). Also called: KERATOSIS PALMOPLANTARIS WITH PERIODONTOPATHIA; Papillon-Lefevre Disease. Identifiers: Orphanet 678, MedGen C0030360, MONDO:0009490, OMIM 245000.
Periodontitis, aggressive. Identifiers: MedGen C0031106, MONDO:0980757.
Haim-Munk syndrome (HMS). Also called: COCHIN JEWISH DISORDER; KERATOSIS PALMOPLANTARIS WITH PERIODONTOPATHIA AND ONYCHOGRYPOSIS. Identifiers: Orphanet 2342, MedGen C1855627, MONDO:0009491, OMIM 245010.

Submission:

Labcorp Genetics (formerly Invitae), Labcorp
Classification: Uncertain significance for Haim-Munk syndrome; Periodontitis, aggressive; Papillon-Lefèvre syndrome. Last evaluated: 2021-04-13. Review status: criteria provided, single submitter. Criteria: Invitae Variant Classification Sherloc (09022015). Collection method: clinical testing. Allele origin: germline.
Comment: This sequence change replaces cysteine with tyrosine at codon 118 of the CTSC protein (p.Cys118Tyr). The cysteine residue is highly conserved and there is a large physicochemical difference between cysteine and tyrosine. This variant is not present in population databases (ExAC no frequency). This variant has not been reported in the literature in individuals with CTSC-related conditions. Algorithms developed to predict the effect of missense changes on protein structure and function are either unavailable or do not agree on the potential impact of this missense change (SIFT: "Not Available"; PolyPhen-2: "Probably Damaging"; Align-GVGD: "Not Available"). In summary, the available evidence is currently insufficient to determine the role of this variant in disease. Therefore, it has been classified as a Variant of Uncertain Significance.

NM_001814.6(CTSC):c.353G>A (p.Cys118Tyr)

Gene: CTSC (cathepsin C; minus strand). Cytogenetic location: 11q14.2.
Variant type: single nucleotide variant.
Coding change: c.353G>A on transcript NM_001814.6 (MANE Select); coding-DNA position 353, G replaced by A.
Protein change: p.Cys118Tyr; replaces cysteine 118 with tyrosine.
Molecular consequence: missense variant.
Genome position (GRCh38, 1-based): chr11:88,312,520, C>T on the plus strand (G>A on the coding strand, the complement: CTSC is on the minus strand). VCF-style: chr11-88312520-C-T. GRCh37 (hg19) VCF-style: chr11-88045688-C-T.
Other names: short protein forms C118Y.
Identifiers: ClinVar variation 1468580 (VCV001468580.6), dbSNP rs1049198854, ClinGen allele CA382026853.